The following is an entry in ClinVar:

ClinVar aggregate classification (germline): Uncertain significance (1 of 4 stars; one submission).

Conditions:
Neurofibromatosis, type 1 (NF1). Also called: Peripheral type neurofibromatosis; Neurofibromatosis, type I; VON RECKLINGHAUSEN DISEASE; NEUROFIBROMATOSIS, TYPE I, SOMATIC. Identifiers: Orphanet 636, MedGen C0027831, MONDO:0018975, OMIM 162200. Disease mechanism: loss of function.

Submission:

Labcorp Genetics (formerly Invitae), Labcorp
Classification: Uncertain significance for Neurofibromatosis, type 1. Last evaluated: 2023-10-13. Review status: criteria provided, single submitter. Criteria: Invitae Variant Classification Sherloc (09022015). Collection method: clinical testing. Allele origin: germline.
Comment: This sequence change affects an acceptor splice site in intron 16 of the NF1 gene. It is expected to disrupt RNA splicing. Variants that disrupt the donor or acceptor splice site typically lead to a loss of protein function (PMID: 16199547), and loss-of-function variants in NF1 are known to be pathogenic (PMID: 10712197, 23913538). This variant is not present in population databases (gnomAD no frequency). This variant has not been reported in the literature in individuals affected with NF1-related conditions. ClinVar contains an entry for this variant (Variation ID: 948410). Algorithms developed to predict the effect of sequence changes on RNA splicing suggest that this variant may disrupt the consensus splice site. In summary, the available evidence is currently insufficient to determine the role of this variant in disease. Therefore, it has been classified as a Variant of Uncertain Significance.

Literature cited by the submitters: PubMed 16199547; PubMed 10712197; PubMed 23913538.

NM_001042492.3(NF1):c.1846-1G>T

Gene: NF1 (neurofibromin 1; plus strand). Cytogenetic location: 17q11.2.
Variant type: single nucleotide variant.
Coding change: c.1846-1G>T on transcript NM_001042492.3 (MANE Select); the canonical splice acceptor site of the intron before coding-DNA position 1846, G replaced by T.
Molecular consequence: splice acceptor variant.
Genome position (GRCh38, 1-based): chr17:31,225,094, G>T. VCF-style: chr17-31225094-G-T. GRCh37 (hg19) VCF-style: chr17-29552112-G-T.
Other names: c.1846-1G>T (NM_000267.4).
Identifiers: ClinVar variation 948410 (VCV000948410.7), dbSNP rs1264981771, ClinGen allele CA399004999.
Genomic context (GRCh38, chr17:31,225,094, plus strand): 5'-AGTGTTTATTCCTCTTGGTTGTCAGTGCTTCAGTAAAGCTTATTTATTTATTTTTTTCTA[G>T]CAGGCAGATAGAAGTTCCTGTCACTTTCTCCTTTTTTACGGGGTAGGATGTGATATTCCT-3'